The following is an entry in ClinVar:

ClinVar aggregate classification (germline): Uncertain significance. Review status: criteria provided, multiple submitters, no conflicts (2 of 4 stars). 2 submissions from 2 submitters: Uncertain significance (2). Last evaluated 2023-04-24.

Conditions:
Neurofibromatosis, type 1 (NF1). Also called: Peripheral type neurofibromatosis; VON RECKLINGHAUSEN DISEASE; NEUROFIBROMATOSIS, TYPE I, SOMATIC; Neurofibromatosis, type I. Identifiers: Orphanet 636, MedGen C0027831, MONDO:0018975, OMIM 162200. Disease mechanism: loss of function.

Submissions (2):

Baylor Genetics
Classification: Uncertain significance for Neurofibromatosis, type 1. Last evaluated: 2023-04-24. Review status: criteria provided, single submitter. Criteria: ACMG Guidelines, 2015. Collection method: clinical testing. Allele origin: unknown.

GeneDx
Classification: Uncertain significance. Last evaluated: 2020-02-11. Review status: criteria provided, single submitter. Criteria: GeneDx Variant Classification Process June 2021. Collection method: clinical testing. Allele origin: germline. Affected: yes.
Comment: Not observed at a significant frequency in large population cohorts (Lek 2016); In-frame deletion of 4 amino acids in a non-repeat region; In silico analysis supports a deleterious effect on protein structure/function; Has not been previously published as pathogenic or benign to our knowledge

NM_001042492.3(NF1):c.6449_6460del (p.Arg2150_Leu2153del)

Gene: NF1 (neurofibromin 1; plus strand). Cytogenetic location: 17q11.2.
Variant type: Deletion.
Coding change: c.6449_6460del on transcript NM_001042492.3 (MANE Select); coding-DNA positions 6449 to 6460, 12 bases deleted (GACTCAGTCTGA).
Protein change: p.Arg2150_Leu2153del.
Molecular consequence: inframe deletion. On other transcripts: inframe indel (1).
Genome position (GRCh38, 1-based): chr17:31,337,389-31,337,400, GACTCAGTCTGA deleted; deleting any 12 consecutive bases within chr17:31,337,386-31,337,400 gives the same sequence; the c. name uses the placement nearest the transcript's 3' end. VCF-style (leftmost placement, unchanged base first): chr17-31337385-TTGAGACTCAGTC-T. GRCh37 (hg19) VCF-style: chr17-29664403-TTGAGACTCAGTC-T.
Other names: c.6386_6397delGACTCAGTCTGA, p.Arg2129_Leu2132del (NM_000267.4); c.6386_6397delGACTCAGTCTGA (NM_000267.3).
Identifiers: ClinVar variation 504112 (VCV000504112.4), dbSNP rs1555534860, ClinGen allele CA658798808.